The following is an entry in ClinVar:

ClinVar aggregate classification (germline): Conflicting classifications of pathogenicity. Review status: criteria provided, conflicting classifications (1 of 4 stars). 5 submissions from 5 submitters: Uncertain significance (4); Likely benign (1). Last evaluated 2025-03-22.

Conditions:
Autosomal recessive ataxia, Beauce type. Also called: Spinocerebellar ataxia, autosomal recessive 8; ATAXIA, RECESSIVE, OF BEAUCE; SYNE1 Deficiency; SYNE1-Related Autosomal Recessive Cerebellar Ataxia. Identifiers: Orphanet 88644, MedGen C1853116, MONDO:0012549, OMIM 610743.
Emery-Dreifuss muscular dystrophy 4, autosomal dominant (EDMD4). Also called: EMERY-DREIFUSS MUSCULAR DYSTROPHY 4 WITH VARIABLE FEATURES. Identifiers: Orphanet 261, MedGen C2751807, MONDO:0013071, OMIM 612998.

Allele frequency attached by ClinVar (database versions not stated): gnomAD exomes 0.00003 and 0.00010; ExAC 0.00010; gnomAD 0.00027 and 0.00030; TOPMed 0.00034; ESP Exome Variant Server 0.00069.
gnomAD v4.1: 78 of 1,613,944 alleles (0.0048%); highest among the groups gnomAD compares: African/African-American, 0.096%; no homozygotes.

Submissions (5):

Mayo Clinic Laboratories, Mayo Clinic
Classification: Likely benign. Last evaluated: 2025-03-22. Review status: criteria provided, single submitter. Criteria: ACMG Guidelines, 2015. Collection method: clinical testing. Allele origin: germline. Observed: 2 variant alleles.
Comment: BS1, BP4

Revvity Omics, Revvity
Classification: Uncertain significance. Last evaluated: 2024-06-21. Review status: criteria provided, single submitter. Criteria: ACMG Guidelines, 2015. Collection method: clinical testing. Allele origin: germline.

Labcorp Genetics (formerly Invitae), Labcorp
Classification: Uncertain significance for Emery-Dreifuss muscular dystrophy 4, autosomal dominant; Autosomal recessive ataxia, Beauce type. Last evaluated: 2022-08-22. Review status: criteria provided, single submitter. Criteria: Invitae Variant Classification Sherloc (09022015). Collection method: clinical testing. Allele origin: germline.
Comment: This sequence change replaces threonine, which is neutral and polar, with isoleucine, which is neutral and non-polar, at codon 2314 of the SYNE1 protein (p.Thr2314Ile). This variant is present in population databases (rs141049001, gnomAD 0.1%). This variant has not been reported in the literature in individuals affected with SYNE1-related conditions. ClinVar contains an entry for this variant (Variation ID: 287177). Algorithms developed to predict the effect of missense changes on protein structure and function (SIFT, PolyPhen-2, Align-GVGD) all suggest that this variant is likely to be tolerated. In summary, the available evidence is currently insufficient to determine the role of this variant in disease. Therefore, it has been classified as a Variant of Uncertain Significance.

GeneDx
Classification: Uncertain significance. Last evaluated: 2021-03-25. Review status: criteria provided, single submitter. Criteria: GeneDx Variant Classification Process June 2021. Collection method: clinical testing. Allele origin: germline. Affected: yes.
Comment: In silico analysis, which includes protein predictors and evolutionary conservation, supports that this variant does not alter protein structure/function; Has not been previously published as pathogenic or benign to our knowledge

Eurofins Ntd Llc (ga)
Classification: Uncertain significance. Last evaluated: 2016-04-26. Review status: criteria provided, single submitter. Criteria: EGL Classification Definitions 2015. Collection method: clinical testing. Allele origin: germline. Observed: 2 variant alleles, 2 heterozygotes.

NM_182961.4(SYNE1):c.6920C>T (p.Thr2307Ile)

Gene: SYNE1 (spectrin repeat containing nuclear envelope protein 1; minus strand). Cytogenetic location: 6q25.2.
Variant type: single nucleotide variant.
Coding change: c.6920C>T on transcript NM_182961.4 (MANE Select); coding-DNA position 6920, C replaced by T.
Protein change: p.Thr2307Ile; replaces threonine 2307 with isoleucine.
Molecular consequence: missense variant.
Genome position (GRCh38, 1-based): chr6:152,401,247, G>A on the plus strand (C>T on the coding strand, the complement: SYNE1 is on the minus strand). VCF-style: chr6-152401247-G-A. GRCh37 (hg19) VCF-style: chr6-152722382-G-A.
Other names: p.Thr2314Ile; c.6941C>T, p.Thr2314Ile (NM_033071.5); short protein forms T2307I, T2314I.
Identifiers: ClinVar variation 287177 (VCV000287177.15), dbSNP rs141049001, ClinGen allele CA4057962.